The following is an entry in ClinVar:

ClinVar aggregate classification (germline): Pathogenic (1 of 4 stars; one submission).

Conditions:
Allan-Herndon-Dudley syndrome (AHDS). Also called: MENTAL RETARDATION AND MUSCULAR ATROPHY; T3 RESISTANCE; TRIIODOTHYRONINE RESISTANCE; ALLAN-HERNDON SYNDROME; Passos-Bueno syndrome. Identifiers: Orphanet 59, MedGen C0795889, MONDO:0010354, OMIM 300523.

Submission:

Baylor Genetics
Classification: Pathogenic for Allan-Herndon-Dudley syndrome. Last evaluated: 2018-12-24. Review status: criteria provided, single submitter. Criteria: ACMG Guidelines, 2015. Collection method: clinical testing. Allele origin: maternal. Affected: yes.
Comment: This variant was determined to be pathogenic according to ACMG Guidelines, 2015 [PMID:25741868].

NM_006517.5(SLC16A2):c.972G>A (p.Trp324Ter)

Gene: SLC16A2 (solute carrier family 16 member 2; plus strand). Cytogenetic location: Xq13.2.
Variant type: single nucleotide variant.
Coding change: c.972G>A on transcript NM_006517.5 (MANE Select); coding-DNA position 972, G replaced by A.
Protein change: p.Trp324Ter; replaces tryptophan 324 with a stop codon.
Molecular consequence: nonsense.
Genome position (GRCh38, 1-based): chrX:74,524,755, G>A. VCF-style: chrX-74524755-G-A. GRCh37 (hg19) VCF-style: chrX-73744590-G-A.
Other names: short protein forms W324*.
Identifiers: ClinVar variation 1031650 (VCV001031650.1), dbSNP rs1930463806, ClinGen allele CA413657687.